The following is an entry in ClinVar:

NC_000005.9:g.(?_112111314)_(112179823_?)dup

Gene: APC (APC regulator of Wnt signaling pathway; plus strand). Cytogenetic location: 5q22.2.
Variant type: Duplication.
Identifiers: ClinVar variation 1523536 (VCV001523536.4).

ClinVar aggregate classification (germline): Uncertain significance (1 of 4 stars; one submission).

Conditions:
Familial adenomatous polyposis 1 (FAP1). Also called: FAMILIAL ADENOMATOUS POLYPOSIS 1, ATTENUATED; POLYPOSIS, ADENOMATOUS INTESTINAL. Identifiers: MedGen C2713442, MONDO:0021056, OMIM 175100. Disease mechanism: loss of function.

Submission:

Labcorp Genetics (formerly Invitae), Labcorp
Classification: Uncertain significance for Familial adenomatous polyposis 1. Last evaluated: 2021-02-24. Review status: criteria provided, single submitter. Criteria: Invitae Variant Classification Sherloc (09022015). Collection method: clinical testing. Allele origin: germline.
Comment: In summary, the available evidence is currently insufficient to determine the role of this variant in disease. Therefore, it has been classified as a Variant of Uncertain Significance. Experimental studies and prediction algorithms are not available or were not evaluated, and the functional significance of this variant is currently unknown. This variant has not been reported in the literature in individuals with APC-related conditions. This variant results in a copy number gain of the genomic region encompassing exon(s) 5-16 of the APC gene. The 5' boundary is likely confined to intron 4. The 3' end of this event is unknown as it extends beyond the assayed region for this gene and therefore may encompass additional genes. As the precise location of this event is unknown, it may be in tandem or it may be located elsewhere in the genome.